The following is an entry in ClinVar:

NM_000548.5(TSC2):c.703A>C (p.Ser235Arg)

Gene: TSC2 (TSC complex subunit 2; plus strand). Cytogenetic location: 16p13.3.
Variant type: single nucleotide variant.
Coding change: c.703A>C on transcript NM_000548.5 (MANE Select); coding-DNA position 703, A replaced by C.
Protein change: p.Ser235Arg; replaces serine 235 with arginine.
Molecular consequence: missense variant. On other transcripts: 5 prime UTR variant (10), non-coding transcript variant (5).
Genome position (GRCh38, 1-based): chr16:2,056,698, A>C. VCF-style: chr16-2056698-A-C. GRCh37 (hg19) VCF-style: chr16-2106699-A-C.
Other names: c.703A>C, p.Ser235Arg (NM_001077183.3, NM_001114382.3, NM_001363528.2 and 6 more transcripts); c.592A>C, p.Ser198Arg (NM_001318827.2, NM_001406670.1, NM_001406678.1); c.556A>C, p.Ser186Arg (NM_001318829.2, NM_001406675.1, NM_001406676.1 and 1 more transcripts); c.103A>C, p.Ser35Arg (NM_001318831.2, NM_001406680.1, NM_001406682.1 and 6 more transcripts); c.736A>C, p.Ser246Arg (NM_001318832.2); c.793A>C, p.Ser265Arg (NM_001406667.1, NM_001406668.1); c.691A>C, p.Ser231Arg (NM_001406671.1, NM_001406673.1); c.646A>C, p.Ser216Arg (NM_001406677.1); and 4 more; short protein forms S235R, S216R, S246R, S35R, S186R, S231R, S81R, S198R.
Identifiers: ClinVar variation 3637177 (VCV003637177.2).

ClinVar aggregate classification (germline): Uncertain significance (1 of 4 stars; one submission).

Conditions:
Tuberous sclerosis 2 (TSC2). Identifiers: Orphanet 805, MedGen C1860707, MONDO:0013199, OMIM 613254.

gnomAD v4.1: 1 of 1,612,490 alleles (0.000062%); highest among the groups gnomAD compares: Non-Finnish European, 0.000085%; no homozygotes.

Submission:

Labcorp Genetics (formerly Invitae), Labcorp
Classification: Uncertain significance for Tuberous sclerosis 2. Last evaluated: 2024-04-04. Review status: criteria provided, single submitter. Criteria: Invitae Variant Classification Sherloc (09022015). Collection method: clinical testing. Allele origin: germline.
Comment: This sequence change replaces serine, which is neutral and polar, with arginine, which is basic and polar, at codon 235 of the TSC2 protein (p.Ser235Arg). This variant is not present in population databases (gnomAD no frequency). This variant has not been reported in the literature in individuals affected with TSC2-related conditions. Advanced modeling of protein sequence and biophysical properties (such as structural, functional, and spatial information, amino acid conservation, physicochemical variation, residue mobility, and thermodynamic stability) performed at Invitae indicates that this missense variant is not expected to disrupt TSC2 protein function with a negative predictive value of 95%. In summary, the available evidence is currently insufficient to determine the role of this variant in disease. Therefore, it has been classified as a Variant of Uncertain Significance.